The following is an entry in ClinVar:

NM_003108.4(SOX11):c.190C>A (p.Arg64Ser)

Gene: SOX11 (SRY-box transcription factor 11; plus strand). Cytogenetic location: 2p25.2.
Variant type: single nucleotide variant.
Coding change: c.190C>A on transcript NM_003108.4 (MANE Select); coding-DNA position 190, C replaced by A.
Protein change: p.Arg64Ser; replaces arginine 64 with serine.
Molecular consequence: missense variant.
Genome position (GRCh38, 1-based): chr2:5,692,911, C>A. VCF-style: chr2-5692911-C-A. GRCh37 (hg19) VCF-style: chr2-5833043-C-A.
Other names: short protein forms R64S.
Identifiers: ClinVar variation 2443013 (VCV002443013.1), dbSNP rs1064794702, ClinGen allele CA345866143.

ClinVar aggregate classification (germline): Likely pathogenic (1 of 4 stars; one submission).

Conditions:
Intellectual developmental disorder with microcephaly and with or without ocular malformations or hypogonadotropic hypogonadism. Also called: Intellectual disability, autosomal dominant 27; Coffin-Siris Syndrome 9. Identifiers: Orphanet 1465, MedGen C4014528, MONDO:0014376, OMIM 615866.

Submission:

SIB Swiss Institute of Bioinformatics
Classification: Likely pathogenic for Intellectual developmental disorder with microcephaly and with or without ocular malformations or hypogonadotropic hypogonadism. Last evaluated: 2023-03-09. Review status: criteria provided, single submitter. Criteria: ACMG Guidelines, 2015. Collection method: curation. Allele origin: unknown.
Comment: This variant is interpreted as likely pathogenic for Intellectual developmental disorder with microcephaly and with or without ocular malformations or hypogonadotropic hypogonadism, autosomal dominant. The following ACMG Tag(s) were applied: Absent from controls (or at extremely low frequency if recessive) in Exome Sequencing Project, 1000 Genomes Project, or Exome Aggregation Consortium (PM2); De novo paternity and maternity not confirmed (PM6); Located in a mutational hot spot and/or critical and well-established functional domain (e.g., active site of an enzyme) without benign variation (PM1); Novel missense change at an amino acid residue where a different missense change determined to be pathogenic has been seen before (PM5); Multiple lines of computational evidence support a deleterious effect on the gene or gene product (PP3).

Literature cited by the submitters: PubMed 35341651.